The following is an entry in ClinVar:

ClinVar aggregate classification (germline): Uncertain significance (1 of 4 stars; one submission).

Conditions:
Autosomal recessive limb-girdle muscular dystrophy type 2L (LGMDR12). Also called: MUSCULAR DYSTROPHY, LIMB-GIRDLE, AUTOSOMAL RECESSIVE 12; Limb-Girdle Muscular Dystrophy R12 Anoctamin-5-Related (LGMD-R12); Limb-girdle muscular dystrophy, type 2L. Identifiers: Orphanet 206549, MedGen C1969785, MONDO:0012652, OMIM 611307.
Gnathodiaphyseal dysplasia (GDD). Also called: GNATHODIAPHYSEAL SCLEROSIS; OSTEOGENESIS IMPERFECTA WITH UNUSUAL SKELETAL LESIONS. Identifiers: Orphanet 53697, MedGen C1833736, MONDO:0008151, OMIM 166260.

Allele frequency attached by ClinVar (database versions not stated): ExAC 0.00001; gnomAD 0.00001; gnomAD exomes 0.00001; TOPMed 0.00001; ESP Exome Variant Server 0.00008.
gnomAD v4.1: 23 of 1,613,404 alleles (0.0014%); highest among the groups gnomAD compares: Non-Finnish European, 0.0019%; no homozygotes.

Submission:

Labcorp Genetics (formerly Invitae), Labcorp
Classification: Uncertain significance for Autosomal recessive limb-girdle muscular dystrophy type 2L; Gnathodiaphyseal dysplasia. Last evaluated: 2024-11-02. Review status: criteria provided, single submitter. Criteria: Invitae Variant Classification Sherloc (09022015). Collection method: clinical testing. Allele origin: germline.
Comment: This sequence change replaces glutamic acid, which is acidic and polar, with lysine, which is basic and polar, at codon 155 of the ANO5 protein (p.Glu155Lys). This variant is present in population databases (rs377650308, gnomAD 0.002%). This variant has not been reported in the literature in individuals affected with ANO5-related conditions. ClinVar contains an entry for this variant (Variation ID: 1017558). Invitae Evidence Modeling of protein sequence and biophysical properties (such as structural, functional, and spatial information, amino acid conservation, physicochemical variation, residue mobility, and thermodynamic stability) indicates that this missense variant is not expected to disrupt ANO5 protein function with a negative predictive value of 80%. In summary, the available evidence is currently insufficient to determine the role of this variant in disease. Therefore, it has been classified as a Variant of Uncertain Significance.

NM_213599.3(ANO5):c.463G>A (p.Glu155Lys)

Gene: ANO5 (anoctamin 5; plus strand). Cytogenetic location: 11p14.3.
Variant type: single nucleotide variant.
Coding change: c.463G>A on transcript NM_213599.3 (MANE Select); coding-DNA position 463, G replaced by A.
Protein change: p.Glu155Lys; replaces glutamic acid 155 with lysine.
Molecular consequence: missense variant.
Genome position (GRCh38, 1-based): chr11:22,227,401, G>A. VCF-style: chr11-22227401-G-A. GRCh37 (hg19) VCF-style: chr11-22248947-G-A.
Other names: c.460G>A, p.Glu154Lys (NM_001142649.2); short protein forms E154K, E155K.
Identifiers: ClinVar variation 1017558 (VCV001017558.9), dbSNP rs377650308, ClinGen allele CA5922931.
Genomic context (GRCh38, chr11:22,227,401, plus strand): 5'-GCCCCTTGGGAGGTATTAGTTACCTATGCTGAAGTCTTGGGAATCAAAATGCCTATTAAG[G>A]AGAGTGATATTCCCCGCCCTAAGCACACTCCTATAAGCTATGTGCTTGGACCTGTAAGAC-3'
Protein context (NP_998764.1, residues 145-165): EVLGIKMPIK[Glu155Lys]SDIPRPKHTP